The following is an entry in ClinVar:

ClinVar aggregate classification (germline): Uncertain significance (1 of 4 stars; one submission).

Submission:

Labcorp Genetics (formerly Invitae), Labcorp
Classification: Uncertain significance. Last evaluated: 2023-10-20. Review status: criteria provided, single submitter. Criteria: Invitae Variant Classification Sherloc (09022015). Collection method: clinical testing. Allele origin: unknown.
Comment: This variant results in a copy number gain of the genomic region encompassing exon(s) 11-13 of the CTNNA1 gene. While the exact position of this variant cannot be determined from the data, sub-genic copy number gains are generally in tandem (PMID: 25640679). This variant is predicted to be in-frame, and likely preserves the integrity of the reading frame. This variant has not been reported in the literature in individuals affected with CTNNA1-related conditions. Experimental studies and prediction algorithms are not available or were not evaluated, and the functional significance of this variant is currently unknown. In summary, the available evidence is currently insufficient to determine the role of this variant in disease. Therefore, it has been classified as a Variant of Uncertain Significance.

Literature cited by the submitters: PubMed 25640679.

NC_000005.9:g.(?_138253421)_(138261106_?)dup

Gene: CTNNA1 (catenin alpha 1; plus strand). Cytogenetic location: 5q31.2.
Variant type: Duplication.
Identifiers: ClinVar variation 3246477 (VCV003246477.1).